The following is an entry in ClinVar:

ClinVar aggregate classification (germline): Conflicting classifications of pathogenicity. Review status: criteria provided, conflicting classifications (1 of 4 stars). 6 submissions from 6 submitters: Uncertain significance (1); Likely benign (3). 2 of the submissions do not count toward it. Last evaluated 2025-08-18.

Conditions:
Kabuki syndrome 2 (KABUK2). Also called: KDM6A-Related Kabuki Syndrome. Identifiers: Orphanet 2322, MedGen C3275495, MONDO:0010465, OMIM 300867.
Inborn genetic diseases. Identifiers: MedGen C0950123, MeSH D030342.

Allele frequency attached by ClinVar (database versions not stated): TOPMed 0.00004; gnomAD 0.00005; gnomAD exomes 0.00005; ExAC 0.00009; ESP Exome Variant Server 0.00009.
gnomAD v4.1: 140 of 1,203,951 alleles (0.012%); highest among the groups gnomAD compares: Non-Finnish European, 0.014%; no homozygotes.

Submissions (6):

Labcorp Genetics (formerly Invitae), Labcorp
Classification: Uncertain significance for Kabuki syndrome 2. Last evaluated: 2025-08-18. Review status: criteria provided, single submitter. Criteria: Invitae Variant Classification Sherloc (09022015). Collection method: clinical testing. Allele origin: germline.
Comment: This sequence change replaces arginine, which is basic and polar, with histidine, which is basic and polar, at codon 621 of the KDM6A protein (p.Arg621His). The frequency data for this variant in the population databases is considered unreliable, as metrics indicate poor data quality at this position in the gnomAD database. This variant has not been reported in the literature in individuals affected with KDM6A-related conditions. ClinVar contains an entry for this variant (Variation ID: 1209935). Invitae Evidence Modeling of protein sequence and biophysical properties (such as structural, functional, and spatial information, amino acid conservation, physicochemical variation, residue mobility, and thermodynamic stability) indicates that this missense variant is not expected to disrupt KDM6A protein function with a negative predictive value of 80%. In summary, the available evidence is currently insufficient to determine the role of this variant in disease. Therefore, it has been classified as a Variant of Uncertain Significance.

Blueprint Genetics
Classification: Likely benign. Last evaluated: 2024-03-20. Review status: criteria provided, single submitter. Criteria: ACMG Guidelines, 2015. Collection method: clinical testing. Allele origin: germline.

Women's Health and Genetics/Laboratory Corporation of America, LabCorp
Classification: Likely benign. Last evaluated: 2023-10-11. Review status: criteria provided, single submitter. Criteria: LabCorp Variant Classification Summary - May 2015. Collection method: clinical testing. Allele origin: germline.
Comment: Variant summary: KDM6A c.1862G>A (p.Arg621His) results in a non-conservative amino acid change in the encoded protein sequence. Three of five in-silico tools predict a benign effect of the variant on protein function. The variant allele was found at a frequency of 4.7e-05 in 253285 control chromosomes, which includes 4 hemizygotes. Since Kabuki Syndrome is an early onset, severe disease, these hemizygous occurrences in gnomad is strong evidence the variant is benign To our knowledge, no occurrence of c.1862G>A in individuals affected with Kabuki Syndrome 2 and no experimental evidence demonstrating its impact on protein function have been reported. Two submitters have cited clinical-significance assessments for this variant to ClinVar after 2014. One submitter classified the variant as likely benign, and one submitter classified the variant as uncertain significance. Based on the evidence outlined above, the variant was classified as likley benign.

Ambry Genetics
Classification: Likely benign for Inborn genetic diseases. Last evaluated: 2021-12-20. Review status: criteria provided, single submitter. Criteria: Ambry Variant Classification Scheme 2023. Collection method: clinical testing. Allele origin: germline.

Clinical Genetics DNA and cytogenetics Diagnostics Lab, Erasmus MC, Erasmus Medical Center
Classification: Uncertain significance. Review status: no assertion criteria provided. Collection method: clinical testing. Allele origin: germline. Affected: yes. Study: VKGL Data-share Consensus. Not counted in ClinVar's aggregate classification.

Genome Diagnostics Laboratory, Amsterdam University Medical Center
Classification: Uncertain significance. Review status: no assertion criteria provided. Collection method: clinical testing. Allele origin: germline. Affected: yes. Study: VKGL Data-share Consensus. Not counted in ClinVar's aggregate classification.

Literature cited by the submitters: PubMed 25225064 (cited by Women's Health and Genetics/Laboratory Corporation of America, LabCorp); PubMed 21828135 (cited by Women's Health and Genetics/Laboratory Corporation of America, LabCorp); PubMed 22377896 (cited by Women's Health and Genetics/Laboratory Corporation of America, LabCorp); PubMed 29479066 (cited by Women's Health and Genetics/Laboratory Corporation of America, LabCorp); PubMed 27276561 (cited by Women's Health and Genetics/Laboratory Corporation of America, LabCorp).

NM_001291415.2(KDM6A):c.2018G>A (p.Arg673His)

Gene: KDM6A (lysine demethylase 6A; plus strand). Cytogenetic location: Xp11.3.
Variant type: single nucleotide variant.
Coding change: c.2018G>A on transcript NM_001291415.2 (MANE Select); coding-DNA position 2018, G replaced by A.
Protein change: p.Arg673His; replaces arginine 673 with histidine.
Molecular consequence: missense variant. On other transcripts: non-coding transcript variant (1).
Genome position (GRCh38, 1-based): chrX:45,063,756, G>A. VCF-style: chrX-45063756-G-A. GRCh37 (hg19) VCF-style: chrX-44923001-G-A.
Other names: c.1883G>A, p.Arg628His (NM_001291416.2); c.1727G>A, p.Arg576His (NM_001291417.2); c.1625G>A, p.Arg542His (NM_001291418.2); c.974G>A, p.Arg325His (NM_001291421.2); c.1862G>A, p.Arg621His (NM_021140.4); c.1862G>A (NM_021140.2); short protein forms R325H, R542H, R576H, R621H, R628H, R673H.
Identifiers: ClinVar variation 1209935 (VCV001209935.13), dbSNP rs369284316, ClinGen allele CA10392447.